The following is an entry in ClinVar:

ClinVar aggregate classification (germline): Pathogenic/Likely pathogenic. Review status: criteria provided, multiple submitters, no conflicts (2 of 4 stars). 2 submissions from 2 submitters: Pathogenic (1); Likely pathogenic (1). Last evaluated 2025-09-13.

Conditions:
Mucopolysaccharidosis, MPS-II (MPS2). Also called: Attenuated MPS (subtype; formerly known as mild MPS II); Severe MPS II; I2S deficiency; MPS 2; Hunter Syndrome; IDURONATE 2-SULFATASE DEFICIENCY. Identifiers: Orphanet 580, Orphanet 79388, MedGen C0026705, MONDO:0010674, OMIM 309900.

Submissions (2):

3billion
Classification: Likely pathogenic for Mucopolysaccharidosis, MPS-II. Last evaluated: 2025-09-13. Review status: criteria provided, single submitter. Criteria: ACMG Guidelines, 2015. Collection method: clinical testing. Allele origin: germline. Affected: yes.
Comment: The variant is not observed in the gnomAD v4.1.0 dataset. Predicted Consequence/Location: Frameshift: predicted to result in a loss or disruption of normal protein function through protein truncation. Multiple pathogenic variants are reported in the predicted truncated region. Functional studies provide moderate evidence of the variant having a damaging effect on the gene or gene product (PMID: 15614569). The variant has been reported to be associated with IDS-related disorder (ClinVar ID: VCV003256053 /PMID: 15614569). Therefore, this variant is classified as Likely pathogenic according to the recommendation of ACMG/AMP guideline.

Laboratory of Diagnosis and Therapy of Lysosomal Disorders, University of Padova
Classification: Pathogenic for Mucopolysaccharidosis, MPS-II. Last evaluated: 2024-06-07. Review status: criteria provided, single submitter. Criteria: ACMG Guidelines, 2015. Collection method: literature only. Allele origin: germline. Affected: yes. Observed: 2 variant alleles.
Comment: Null variant (PVS1_Strong), In vitro or in vivo functional studies supportive of a damaging effect (PS3_Strong), Absent from controls (or at low frequency) in gnomAD database (PM2_Moderate), Patient’s phenotype or family history highly specific for the disease (PP4_Moderate)

Classification method: ACMG Guidelines [PMID:25741868] with modifications

Literature cited by the submitters: PubMed 15614569 (cited by 3billion); PubMed 31877959 (cited by Laboratory of Diagnosis and Therapy of Lysosomal Disorders, University of Padova).

NM_000202.8(IDS):c.1421_1422del (p.Gln474fs)

Gene: IDS (iduronate 2-sulfatase; minus strand). Cytogenetic location: Xq28.
Variant type: Deletion.
Coding change: c.1421_1422del on transcript NM_000202.8 (MANE Select); coding-DNA positions 1421 to 1422, 2 bases deleted (AG; older notation c.1421_1422delAG).
Protein change: p.Gln474fs; shifts the reading frame from glutamine 474.
Molecular consequence: frameshift variant.
Genome position (GRCh38, 1-based): chrX:149,482,977-149,482,978, CT deleted on the plus strand (AG on the coding strand, the reverse complement: IDS is on the minus strand). VCF-style (leftmost placement, unchanged base first): chrX-149482976-ACT-A. GRCh37 (hg19) VCF-style: chrX-148564507-ACT-A.
Other names: c.1151_1152del, p.Gln384fs (NM_001166550.4); short protein forms Q384fs, Q474fs.
Identifiers: ClinVar variation 3256053 (VCV003256053.3).